The following is an entry in ClinVar:

NC_000002.11:g.(?_48018056)_(48018272_?)dup

Gene: MSH6 (mutS homolog 6; plus strand). Cytogenetic location: 2p16.3.
Variant type: Duplication.
Identifiers: ClinVar variation 1348645 (VCV001348645.6).

ClinVar aggregate classification (germline): Likely pathogenic (1 of 4 stars; one submission).

Conditions:
Hereditary nonpolyposis colorectal neoplasms. Identifiers: MedGen C0009405, MeSH D003123.

Submission:

Labcorp Genetics (formerly Invitae), Labcorp
Classification: Likely pathogenic for Hereditary nonpolyposis colorectal neoplasms. Last evaluated: 2022-01-10. Review status: criteria provided, single submitter. Criteria: Invitae Variant Classification Sherloc (09022015). Collection method: clinical testing. Allele origin: germline.
Comment: A similar copy number variant has been observed in individual(s) with Lynch syndrome-associated cancers (PMID: 17117178). In summary, the currently available evidence indicates that the variant is pathogenic, but additional data are needed to prove that conclusively. Therefore, this variant has been classified as Likely Pathogenic. This variant results in a copy number gain of the genomic region encompassing exon(s) 2 of the MSH6 gene. While the exact position of this variant cannot be determined from the data, sub-genic copy number gains are generally in tandem (PMID: 25640679). This variant is predicted to be out-of-frame, and may result in an absent or disrupted protein product. Loss-of-function variants in MSH6 are known to be pathogenic (PMID: 18269114, 24362816).

Literature cited by the submitters: PubMed 17117178; PubMed 25640679; PubMed 18269114; PubMed 24362816.